The following is an entry in ClinVar:

ClinVar aggregate classification (germline): Pathogenic. Review status: criteria provided, multiple submitters, no conflicts (2 of 4 stars). 3 submissions from 3 submitters: Pathogenic (2). 1 of the submissions does not count toward it. Last evaluated 2025-09-16.

Conditions:
Holt-Oram syndrome (HOS). Also called: TBX5-Related Holt-Oram Syndrome; Ventriculo-radial syndrome; Cardiac-limb syndrome; Heart-hand syndrome, type 1. Identifiers: Orphanet 392, MedGen C0265264, MONDO:0007732, OMIM 142900.
Aortic valve disease 2 (AOVD2). Identifiers: MedGen C3542024, MONDO:0013902, OMIM 614823.

Submissions (3):

Labcorp Genetics (formerly Invitae), Labcorp
Classification: Pathogenic for Aortic valve disease 2. Last evaluated: 2025-09-16. Review status: criteria provided, single submitter. Criteria: Invitae Variant Classification Sherloc (09022015). Collection method: clinical testing. Allele origin: germline.
Comment: This sequence change affects an acceptor splice site in intron 2 of the TBX5 gene. It is expected to disrupt RNA splicing. Variants that disrupt the donor or acceptor splice site typically lead to a loss of protein function (PMID: 16199547), and loss-of-function variants in TBX5 are known to be pathogenic (PMID: 16183809, 16917909). This variant is not present in population databases (gnomAD no frequency). Disruption of this splice site has been observed in individual(s) with Holt-Oram syndrome (PMID: 30552424; internal data). ClinVar contains an entry for this variant (Variation ID: 633762). Algorithms developed to predict the effect of sequence changes on RNA splicing suggest that this variant may disrupt the consensus splice site. For these reasons, this variant has been classified as Pathogenic.

GeneDx
Classification: Pathogenic. Last evaluated: 2024-01-16. Review status: criteria provided, single submitter. Criteria: GeneDx Variant Classification Process June 2021. Collection method: clinical testing. Allele origin: germline. Affected: yes.
Comment: Observed in a cohort of patients with clinical features of Holt-Oram syndrome who underwent sequencing of the TBX5 gene; however patient specific details for this variant were not specified in this report (PMID: 30552424); Canonical splice site variant predicted to result in a null allele in a gene for which loss of function is a known mechanism of disease; Not observed at significant frequency in large population cohorts (gnomAD); This variant is associated with the following publications: (PMID: 30552424)

Centre de Biologie Pathologie Génétique, Centre Hospitalier Universitaire de Lille
Classification: Likely pathogenic for Holt-Oram syndrome. Last evaluated: 2018-06-14. Review status: no assertion criteria provided. Collection method: clinical testing. Allele origin: unknown. Affected: yes. Not counted in ClinVar's aggregate classification.

Literature cited by the submitters: PubMed 16199547 (cited by Labcorp Genetics (formerly Invitae), Labcorp); PubMed 16183809 (cited by Labcorp Genetics (formerly Invitae), Labcorp); PubMed 16917909 (cited by Labcorp Genetics (formerly Invitae), Labcorp); PubMed 30552424 (cited by Labcorp Genetics (formerly Invitae), Labcorp).

NM_181486.4(TBX5):c.148-2A>G

Gene: TBX5 (T-box transcription factor 5; minus strand). Cytogenetic location: 12q24.21.
Variant type: single nucleotide variant.
Coding change: c.148-2A>G on transcript NM_181486.4 (MANE Select); the canonical splice acceptor site of the intron before coding-DNA position 148, A replaced by G.
Molecular consequence: splice acceptor variant.
Genome position (GRCh38, 1-based): chr12:114,401,922, T>C on the plus strand (A>G on the coding strand, the complement: TBX5 is on the minus strand). VCF-style: chr12-114401922-T-C. GRCh37 (hg19) VCF-style: chr12-114839727-T-C.
Other names: c.-3-2A>G (NM_080717.4); c.148-2A>G (NM_000192.3).
Identifiers: ClinVar variation 633762 (VCV000633762.4), dbSNP rs1565942511, ClinGen allele CA386863356.